The following is an entry in ClinVar:

ClinVar aggregate classification (germline): Likely benign. Review status: criteria provided, multiple submitters, no conflicts (2 of 4 stars). 3 submissions from 3 submitters: Likely benign (3). Last evaluated 2026-01-01.

Conditions:
Inborn genetic diseases. Identifiers: MedGen C0950123, MeSH D030342.

Allele frequency attached by ClinVar (database versions not stated): TOPMed 0.00067; 1000 Genomes Project 30x 0.00109; 1000 Genomes Project 0.00120; gnomAD 0.00123; ESP Exome Variant Server 0.00131; gnomAD exomes 0.00156; ExAC 0.00197.
gnomAD v4.1: 2,434 of 1,614,178 alleles (0.15%); highest among the groups gnomAD compares: Non-Finnish European, 0.16%; 3 homozygotes.

Submissions (3):

CeGaT Center for Human Genetics Tuebingen
Classification: Likely benign. Last evaluated: 2026-01-01. Review status: criteria provided, single submitter. Criteria: CeGaT Center For Human Genetics Tuebingen Variant Classification Criteria Version 2. Collection method: clinical testing. Allele origin: germline. Affected: yes. Observed: 1 variant allele.
Comment: CHD3: BS1

Blueprint Genetics
Classification: Likely benign. Last evaluated: 2024-11-25. Review status: criteria provided, single submitter. Criteria: ACMG Guidelines, 2015. Collection method: clinical testing. Allele origin: germline.

Ambry Genetics
Classification: Likely benign for Inborn genetic diseases. Last evaluated: 2024-02-22. Review status: criteria provided, single submitter. Criteria: Ambry Variant Classification Scheme 2023. Collection method: clinical testing. Allele origin: germline.

NM_001005273.3(CHD3):c.1028G>A (p.Arg343His)

Genes: CHD3 (chromodomain helicase DNA binding protein 3; plus strand), LOC126862484 (CDK7 strongly-dependent group 2 enhancer GRCh37_chr17:7797066-7798265; plus strand). Cytogenetic location: 17p13.1.
Variant type: single nucleotide variant.
Coding change: c.1028G>A on transcript NM_001005273.3 (MANE Select); coding-DNA position 1028, G replaced by A.
Protein change: p.Arg343His; replaces arginine 343 with histidine.
Molecular consequence: missense variant.
Genome position (GRCh38, 1-based): chr17:7,894,218, G>A. VCF-style: chr17-7894218-G-A. GRCh37 (hg19) VCF-style: chr17-7797536-G-A.
Other names: c.1205G>A, p.Arg402His (NM_001005271.3); c.1028G>A, p.Arg343His (NM_005852.4); short protein forms R402H, R343H.
Identifiers: ClinVar variation 3144104 (VCV003144104.6), dbSNP rs138539483, ClinGen allele CA8362564.